The following is an entry in ClinVar:

NM_000219.6(KCNE1):c.283G>C (p.Val95Leu)

Gene: KCNE1 (potassium voltage-gated channel subfamily E regulatory subunit 1; minus strand). Cytogenetic location: 21q22.12.
Variant type: single nucleotide variant.
Coding change: c.283G>C on transcript NM_000219.6 (MANE Select); coding-DNA position 283, G replaced by C.
Protein change: p.Val95Leu; replaces valine 95 with leucine.
Molecular consequence: missense variant.
Genome position (GRCh38, 1-based): chr21:34,449,352, C>G on the plus strand (G>C on the coding strand, the complement: KCNE1 is on the minus strand). VCF-style: chr21-34449352-C-G. GRCh37 (hg19) VCF-style: chr21-35821650-C-G.
Other names: c.283G>C, p.Val95Leu (NM_001127668.4, NM_001127669.4, NM_001127670.4 and 4 more transcripts); short protein forms V95L.
Identifiers: ClinVar variation 3374527 (VCV003374527.2).

Conditions:
Long QT syndrome 5 (LQT5). Identifiers: Orphanet 101016, Orphanet 768, MedGen C1867904, MONDO:0013372, OMIM 613695.

Submission:

Roden Lab, Vanderbilt University Medical Center
No classification provided (evidence only). Condition: Long QT syndrome 5. Review status: no classification provided. Collection method: in vitro. Allele origin: not applicable. Functional consequence: Effect on ion channel function.
ClinVar note: "not provided" was previously submitted as the classification for the variant. However, the classification appeared to be based only on an observation of functional data so it was converted to no classification on 2025-07-30.